The following is an entry in ClinVar:

NM_006019.4(TCIRG1):c.907dup (p.Tyr303fs)

Gene: TCIRG1 (T cell immune regulator 1, ATPase H+ transporting V0 subunit a3; plus strand). Cytogenetic location: 11q13.2.
Variant type: Duplication.
Coding change: c.907dup on transcript NM_006019.4 (MANE Select); coding-DNA position 907, one base duplicated (T; older notation c.907dupT).
Protein change: p.Tyr303fs; shifts the reading frame from tyrosine 303.
Molecular consequence: frameshift variant.
Genome position (GRCh38, 1-based): chr11:68,044,231, T duplicated. VCF-style (leftmost placement, unchanged base first): chr11-68044230-G-GT. GRCh37 (hg19) VCF-style: chr11-67811697-G-GT.
Other names: c.13dup, p.Tyr5fs (NM_001351059.2); c.259dup, p.Tyr87fs (NM_006053.4); short protein forms Y303fs, Y5fs, Y87fs.
Identifiers: ClinVar variation 852441 (VCV000852441.8), dbSNP rs1855347940, ClinGen allele CA916080429.

ClinVar aggregate classification (germline): Pathogenic/Likely pathogenic. Review status: criteria provided, multiple submitters, no conflicts (2 of 4 stars). 2 submissions from 2 submitters: Pathogenic (1); Likely pathogenic (1). Last evaluated 2023-03-25.

Conditions:
Autosomal recessive osteopetrosis 1. Also called: ALBERS-SCHONBERG DISEASE, AUTOSOMAL RECESSIVE; TCIRG1-Related Osteopetrosis; TCIRG1-Related Autosomal Recessive Osteopetrosis. Identifiers: Orphanet 667, MedGen C1850127, MONDO:0009815, OMIM 259700.

Submissions (2):

Baylor Genetics
Classification: Likely pathogenic for Autosomal recessive osteopetrosis 1. Last evaluated: 2023-03-25. Review status: criteria provided, single submitter. Criteria: ACMG Guidelines, 2015. Collection method: clinical testing. Allele origin: unknown.

Labcorp Genetics (formerly Invitae), Labcorp
Classification: Pathogenic. Last evaluated: 2019-11-28. Review status: criteria provided, single submitter. Criteria: Invitae Variant Classification Sherloc (09022015). Collection method: clinical testing. Allele origin: germline.
Comment: This variant is not present in population databases (ExAC no frequency). This sequence change creates a premature translational stop signal (p.Tyr303Leufs*187) in the TCIRG1 gene. It is expected to result in an absent or disrupted protein product. This variant has not been reported in the literature in individuals with TCIRG1-related conditions. For these reasons, this variant has been classified as Pathogenic. Loss-of-function variants in TCIRG1 are known to be pathogenic (PMID: 10888887, 10942435, 11532986, 19448635).

Literature cited by the submitters: PubMed 10888887 (cited by Labcorp Genetics (formerly Invitae), Labcorp); PubMed 10942435 (cited by Labcorp Genetics (formerly Invitae), Labcorp); PubMed 11532986 (cited by Labcorp Genetics (formerly Invitae), Labcorp); PubMed 19448635 (cited by Labcorp Genetics (formerly Invitae), Labcorp).